The following is an entry in ClinVar:

NM_000393.5(COL5A2):c.1588C>G (p.Pro530Ala)

Gene: COL5A2 (collagen type V alpha 2 chain; minus strand). Cytogenetic location: 2q32.2.
Variant type: single nucleotide variant.
Coding change: c.1588C>G on transcript NM_000393.5 (MANE Select); coding-DNA position 1588, C replaced by G.
Protein change: p.Pro530Ala; replaces proline 530 with alanine.
Molecular consequence: missense variant.
Genome position (GRCh38, 1-based): chr2:189,065,033, G>C on the plus strand (C>G on the coding strand, the complement: COL5A2 is on the minus strand). VCF-style: chr2-189065033-G-C. GRCh37 (hg19) VCF-style: chr2-189929759-G-C.
Other names: short protein forms P530A.
Identifiers: ClinVar variation 519665 (VCV000519665.5), dbSNP rs772872008, ClinGen allele CA349850924.
Genomic context (GRCh38, chr2:189,065,033, plus strand): 5'-GTAAGTATCAACATTGACAGGGCAACCTCACCTTTGGCCCAGGTAAACCATCAGAGCCTG[G>C]AAAACCACGATTGCCAGGAGCACCCTACAAATGACCAAAATGTGATTCTTAATTGTTGTT-3'
Protein context (NP_000384.2, residues 520-540): ERGAPGNRGF[Pro530Ala]GSDGLPGPKG

ClinVar aggregate classification (germline): Uncertain significance (1 of 4 stars; one submission).

Conditions:
Familial thoracic aortic aneurysm and aortic dissection (TAAD). Also called: Thoracic aortic aneurysms and dissections. Identifiers: Orphanet 91387, MedGen C4707243, MONDO:0019625.

Submission:

Ambry Genetics
Classification: Uncertain significance for Familial thoracic aortic aneurysm and aortic dissection. Last evaluated: 2016-01-19. Review status: criteria provided, single submitter. Criteria: Ambry Variant Classification Scheme 2023. Collection method: clinical testing. Allele origin: germline.
Comment: The p.P530A variant (also known as c.1588C>G), located in coding exon 24 of the COL5A2 gene, results from a C to G substitution at nucleotide position 1588. The proline at codon 530 is replaced by alanine, an amino acid with some highly similar properties. This variant was not reported in population based cohorts in the following databases: Database of Single Nucleotide Polymorphisms (dbSNP), NHLBI Exome Sequencing Project (ESP), and 1000 Genomes Project. In the ESP, this variant was not observed in 6503 samples (13006 alleles) with coverage at this position. This amino acid position is highly conserved in available vertebrate species. In addition, this alteration is predicted to be deleterious by in silico analysis. Since supporting evidence is limited at this time, the clinical significance of this variant remains unclear.